The following is an entry in ClinVar:

NM_022089.4(ATP13A2):c.604del (p.His202fs)

Gene: ATP13A2 (ATPase cation transporting 13A2; minus strand). Cytogenetic location: 1p36.13.
Variant type: Deletion.
Coding change: c.604del on transcript NM_022089.4 (MANE Select); coding-DNA position 604, one base deleted (C; older notation c.604delC).
Protein change: p.His202fs; shifts the reading frame from histidine 202.
Molecular consequence: frameshift variant.
Genome position (GRCh38, 1-based): chr1:17,002,327, G deleted on the plus strand (C on the coding strand, the reverse complement: ATP13A2 is on the minus strand); the first of 2 consecutive G bases (chr1:17,002,327-17,002,328); deleting either gives the same sequence. VCF-style (leftmost placement, unchanged base first): chr1-17002326-TG-T. GRCh37 (hg19) VCF-style: chr1-17328821-TG-T.
Other names: c.589del, p.His197fs (NM_001141973.3, NM_001141974.3); short protein forms H202fs, H197fs.
Identifiers: ClinVar variation 1751269 (VCV001751269.7), dbSNP rs758150853, ClinGen allele CA637566.

ClinVar aggregate classification (germline): Pathogenic. Review status: criteria provided, multiple submitters, no conflicts (2 of 4 stars). 2 submissions from 2 submitters: Pathogenic (2). Last evaluated 2022-06-08.

Conditions:
Inborn genetic diseases. Identifiers: MedGen C0950123, MeSH D030342.
Autosomal recessive spastic paraplegia type 78. Identifiers: Orphanet 513436, MedGen C5567893, MONDO:0014975, OMIM 617225.
Kufor-Rakeb syndrome (KRS). Also called: PARKINSON DISEASE 9, AUTOSOMAL RECESSIVE, JUVENILE-ONSET. Identifiers: Orphanet 306674, Orphanet 314632, MedGen C1847640, MONDO:0011706, OMIM 606693.

Submissions (2):

Labcorp Genetics (formerly Invitae), Labcorp
Classification: Pathogenic for Kufor-Rakeb syndrome; Autosomal recessive spastic paraplegia type 78. Last evaluated: 2022-06-08. Review status: criteria provided, single submitter. Criteria: Invitae Variant Classification Sherloc (09022015). Collection method: clinical testing. Allele origin: germline.
Comment: This sequence change creates a premature translational stop signal (p.His202Metfs*10) in the ATP13A2 gene. It is expected to result in an absent or disrupted protein product. Loss-of-function variants in ATP13A2 are known to be pathogenic (PMID: 16964263, 21696388). This variant is present in population databases (rs758150853, gnomAD 0.03%). This variant has not been reported in the literature in individuals affected with ATP13A2-related conditions. For these reasons, this variant has been classified as Pathogenic.

Ambry Genetics
Classification: Pathogenic for Inborn genetic diseases. Last evaluated: 2019-03-05. Review status: criteria provided, single submitter. Criteria: Ambry Variant Classification Scheme 2023. Collection method: clinical testing. Allele origin: germline.
Comment: The c.604delC variant, located in coding exon 7 of the ATP13A2 gene, results from a deletion of one nucleotide at nucleotide position 604, causing a translational frameshift with a predicted alternate stop codon (p.H202Mfs*10). This alteration is expected to result in loss of function by premature protein truncation or nonsense-mediated mRNA decay. As such, this alteration is interpreted as a disease-causing mutation.

Literature cited by the submitters: PubMed 16964263 (cited by Labcorp Genetics (formerly Invitae), Labcorp); PubMed 21696388 (cited by Labcorp Genetics (formerly Invitae), Labcorp).